The following is an entry in ClinVar:

NM_001292034.3(TAB2):c.1643A>G (p.Gln548Arg)

Gene: TAB2 (TGF-beta activated kinase 1 (MAP3K7) binding protein 2; plus strand). Cytogenetic location: 6q25.1.
Variant type: single nucleotide variant.
Coding change: c.1643A>G on transcript NM_001292034.3 (MANE Select); coding-DNA position 1643, A replaced by G.
Protein change: p.Gln548Arg; replaces glutamine 548 with arginine.
Molecular consequence: missense variant.
Genome position (GRCh38, 1-based): chr6:149,397,643, A>G. VCF-style: chr6-149397643-A-G. GRCh37 (hg19) VCF-style: chr6-149718779-A-G.
Other names: c.1547A>G, p.Gln516Arg (NM_001292035.3); c.1643A>G, p.Gln548Arg (NM_001369506.1, NM_015093.6); short protein forms Q516R, Q548R.
Identifiers: ClinVar variation 3007119 (VCV003007119.3), dbSNP rs2483485911, ClinGen allele CA366003672.
Genomic context (GRCh38, chr6:149,397,643, plus strand): 5'-GTTTACTAATGTGTGTTGCAGCTCTTTTGGTACACCAGAAGGCCAGAATGGAACGACTTC[A>G]AAGAGAACTTGAGATTCAAAAGAAAAAGCTGGATAAATTAAAATCTGAGGTTAATGAAAT-3'
Protein context (NP_001278963.1, residues 538-558): VHQKARMERL[Gln548Arg]RELEIQKKKL

ClinVar aggregate classification (germline): Uncertain significance (1 of 4 stars; one submission).

Allele frequency attached by ClinVar (database versions not stated): gnomAD exomes below 0.00001.
gnomAD v4.1: 1 of 1,614,136 alleles (0.000062%); highest among the groups gnomAD compares: Non-Finnish European, 0.000085%; no homozygotes.

Submission:

Labcorp Genetics (formerly Invitae), Labcorp
Classification: Uncertain significance. Last evaluated: 2023-12-30. Review status: criteria provided, single submitter. Criteria: Invitae Variant Classification Sherloc (09022015). Collection method: clinical testing. Allele origin: germline.
Comment: This sequence change replaces glutamine, which is neutral and polar, with arginine, which is basic and polar, at codon 548 of the TAB2 protein (p.Gln548Arg). This variant is not present in population databases (gnomAD no frequency). This variant has not been reported in the literature in individuals affected with TAB2-related conditions. Advanced modeling of protein sequence and biophysical properties (such as structural, functional, and spatial information, amino acid conservation, physicochemical variation, residue mobility, and thermodynamic stability) performed at Invitae indicates that this missense variant is not expected to disrupt TAB2 protein function with a negative predictive value of 80%. In summary, the available evidence is currently insufficient to determine the role of this variant in disease. Therefore, it has been classified as a Variant of Uncertain Significance.